The following is an entry in ClinVar:

NC_000014.8:g.(?_105781256)_(105861009_?)dup

Genes: BRF1 (BRF1 RNA polymerase III transcription initiation factor subunit; minus strand), PACS2 (phosphofurin acidic cluster sorting protein 2; plus strand). Cytogenetic location: 14q32.33.
Variant type: Duplication.
Identifiers: ClinVar variation 3244067 (VCV003244067.1).

ClinVar aggregate classification (germline): Uncertain significance (1 of 4 stars; one submission).

Submission:

Labcorp Genetics (formerly Invitae), Labcorp
Classification: Uncertain significance. Last evaluated: 2023-11-03. Review status: criteria provided, single submitter. Criteria: Invitae Variant Classification Sherloc (09022015). Collection method: clinical testing. Allele origin: unknown.
Comment: A copy number gain of the genomic region encompassing the full coding sequence of the PACS2 gene has been identified. The boundaries of this event are unknown as they extend beyond the assayed region for this gene and therefore may encompass additional genes. As the precise location of this event is unknown, it may be in tandem or it may be located elsewhere in the genome. This variant has not been reported in the literature in individuals affected with PACS2-related conditions. In summary, the available evidence is currently insufficient to determine the role of this variant in disease. Therefore, it has been classified as a Variant of Uncertain Significance.